The following is an entry in ClinVar:

NM_001242957.3(MAK):c.1167del (p.His389fs)

Gene: MAK (male germ cell associated kinase; minus strand). Cytogenetic location: 6p24.2.
Variant type: Deletion.
Coding change: c.1167del on transcript NM_001242957.3 (MANE Select); coding-DNA position 1167, one base deleted (T; older notation c.1167delT).
Protein change: p.His389fs; shifts the reading frame from histidine 389.
Molecular consequence: frameshift variant. On other transcripts: non-coding transcript variant (2).
Genome position (GRCh38, 1-based): chr6:10,791,824, A deleted on the plus strand (T on the coding strand, the reverse complement: MAK is on the minus strand). VCF-style (leftmost placement, unchanged base first): chr6-10791823-TA-T. GRCh37 (hg19) VCF-style: chr6-10792056-TA-T.
Other names: c.1167del, p.His389fs (NM_001242385.2, NM_005906.6); c.1065del, p.His355fs (NM_001377262.1); short protein forms H355fs, H389fs.
Identifiers: ClinVar variation 1457797 (VCV001457797.6), dbSNP rs2127542636, ClinGen allele CA2573140117.

ClinVar aggregate classification (germline): Pathogenic (1 of 4 stars; one submission).

Submission:

Labcorp Genetics (formerly Invitae), Labcorp
Classification: Pathogenic. Last evaluated: 2021-12-03. Review status: criteria provided, single submitter. Criteria: Invitae Variant Classification Sherloc (09022015). Collection method: clinical testing. Allele origin: germline.
Comment: For these reasons, this variant has been classified as Pathogenic. This variant has not been reported in the literature in individuals affected with MAK-related conditions. This variant is not present in population databases (gnomAD no frequency). This sequence change creates a premature translational stop signal (p.His389Glnfs*76) in the MAK gene. It is expected to result in an absent or disrupted protein product. Loss-of-function variants in MAK are known to be pathogenic (PMID: 21148103, 21825139, 24938718, 29781741).

Literature cited by the submitters: PubMed 21148103; PubMed 21825139; PubMed 24938718; PubMed 29781741.